The following is an entry in ClinVar:

ClinVar aggregate classification (germline): Likely benign. Review status: criteria provided, multiple submitters, no conflicts (2 of 4 stars). 2 submissions from 2 submitters: Likely benign (2). Last evaluated 2026-09-04.

Conditions:
FAM161A-related disorder. Also called: FAM161A-related condition.

Allele frequency attached by ClinVar (database versions not stated): ExAC 0.00001; gnomAD exomes 0.00001; gnomAD 0.00003.
gnomAD v4.1: 25 of 1,598,658 alleles (0.0016%); highest among the groups gnomAD compares: Middle Eastern, 0.067%; no homozygotes.

Submissions (2):

PreventionGenetics, part of Exact Sciences
Classification: Likely benign for FAM161A-related condition. Last evaluated: 2026-09-04. Review status: criteria provided, single submitter. Criteria: ACMG Guidelines, 2015. Collection method: clinical testing. Allele origin: germline.
Comment: This variant is classified as likely benign based on ACMG/AMP sequence variant interpretation guidelines (Richards et al. 2015 PMID: 25741868, with internal and published modifications).

Labcorp Genetics (formerly Invitae), Labcorp
Classification: Likely benign. Last evaluated: 2024-01-22. Review status: criteria provided, single submitter. Criteria: Invitae Variant Classification Sherloc (09022015). Collection method: clinical testing. Allele origin: germline.

NM_001201543.2(FAM161A):c.1758C>T (p.Ser586=)

Gene: FAM161A (FAM161 centrosomal protein A; minus strand). Cytogenetic location: 2p15.
Variant type: single nucleotide variant.
Coding change: c.1758C>T on transcript NM_001201543.2 (MANE Select); coding-DNA position 1758, C replaced by T.
Protein change: p.Ser586=; no amino-acid change (serine 586 retained).
Molecular consequence: synonymous variant. On other transcripts: non-coding transcript variant (1).
Genome position (GRCh38, 1-based): chr2:61,836,103, G>A on the plus strand (C>T on the coding strand, the complement: FAM161A is on the minus strand). VCF-style: chr2-61836103-G-A. GRCh37 (hg19) VCF-style: chr2-62063238-G-A.
Other names: c.1590C>T, p.Ser530= (NM_032180.3); c.1758C>T (NM_001201543.1).
Identifiers: ClinVar variation 1128948 (VCV001128948.10), dbSNP rs766470938, ClinGen allele CA1679038.